The following is an entry in ClinVar:

ClinVar aggregate classification (germline): Uncertain significance (1 of 4 stars; one submission).

Conditions:
Catecholaminergic polymorphic ventricular tachycardia 1. Also called: VENTRICULAR TACHYCARDIA, CATECHOLAMINERGIC POLYMORPHIC, 1, WITH OR WITHOUT ATRIAL DYSFUNCTION AND/OR DILATED CARDIOMYOPATHY; RYR2-Related Catecholaminergic Polymorphic Ventricular Tachycardia; VENTRICULAR TACHYCARDIA, STRESS-INDUCED POLYMORPHIC 1. Identifiers: Orphanet 3286, MedGen C1631597, MONDO:0011484, OMIM 604772.

Submission:

Labcorp Genetics (formerly Invitae), Labcorp
Classification: Uncertain significance for Catecholaminergic polymorphic ventricular tachycardia 1. Last evaluated: 2021-10-25. Review status: criteria provided, single submitter. Criteria: Invitae Variant Classification Sherloc (09022015). Collection method: clinical testing. Allele origin: germline.
Comment: This variant has not been reported in the literature in individuals affected with RYR2-related conditions. In summary, the available evidence is currently insufficient to determine the role of this variant in disease. Therefore, it has been classified as a Variant of Uncertain Significance. Advanced modeling of protein sequence and biophysical properties (such as structural, functional, and spatial information, amino acid conservation, physicochemical variation, residue mobility, and thermodynamic stability) performed at Invitae indicates that this missense variant is expected to disrupt RYR2 protein function. This variant is not present in population databases (ExAC no frequency). This sequence change replaces leucine with serine at codon 1644 of the RYR2 protein (p.Leu1644Ser). The leucine residue is highly conserved and there is a large physicochemical difference between leucine and serine.

NM_001035.3(RYR2):c.4931T>C (p.Leu1644Ser)

Gene: RYR2 (ryanodine receptor 2; plus strand). Cytogenetic location: 1q43.
Variant type: single nucleotide variant.
Coding change: c.4931T>C on transcript NM_001035.3 (MANE Select); coding-DNA position 4931, T replaced by C.
Protein change: p.Leu1644Ser; replaces leucine 1644 with serine.
Molecular consequence: missense variant.
Genome position (GRCh38, 1-based): chr1:237,614,059, T>C. VCF-style: chr1-237614059-T-C. GRCh37 (hg19) VCF-style: chr1-237777359-T-C.
Other names: short protein forms L1644S.
Identifiers: ClinVar variation 1439846 (VCV001439846.7), dbSNP rs2148593157, ClinGen allele CA345403497.